The following is an entry in ClinVar:

ClinVar aggregate classification (germline): Uncertain significance. Review status: criteria provided, multiple submitters, no conflicts (2 of 4 stars). 6 submissions from 6 submitters: Uncertain significance (5). 1 of the submissions does not count toward it. Last evaluated 2025-12-09.

Conditions:
Cardiovascular phenotype. Identifiers: MedGen CN230736.
Primary familial dilated cardiomyopathy (FDC). Also called: Familial dilated cardiomyopathy; Hypokinetic dilated cardiomyopathy, familial. Identifiers: Orphanet 217607, MedGen C0340427, MONDO:0016333.
Myopathy, congenital, with structured cores and z-line abnormalities. Also called: MULTIPLE STRUCTURED CORE DISEASE; CONGENITAL MYOPATHY 8. Identifiers: MedGen C5231445, MONDO:0032852, OMIM 618654.
Myopathy, distal, 6, adult-onset, autosomal dominant. Identifiers: MedGen C5203349, MONDO:0032853, OMIM 618655.
Dilated cardiomyopathy 1AA (CMD1AA). Also called: Cardiomyopathy, dilated, 1AA, with or without LVNC; CARDIOMYOPATHY, DILATED, 1AA, WITH OR WITHOUT LEFT VENTRICULAR NONCOMPACTION; CARDIOMYOPATHY, FAMILIAL HYPERTROPHIC, 23, WITH OR WITHOUT LEFT VENTRICULAR NONCOMPACTION. Identifiers: Orphanet 154, MedGen C2677338, MONDO:0012808, OMIM 612158.
ACTN2-related disorder. Also called: ACTN2 related condition; ACTN2-related disorders.
Primary familial hypertrophic cardiomyopathy (HCM). Identifiers: Orphanet 99739, MedGen C0949658, MeSH D024741, MONDO:0024573. Inheritance: Various modes of inheritance.

Allele frequency attached by ClinVar (database versions not stated): gnomAD 0.00001; TOPMed 0.00003.
gnomAD v4.1: 8 of 1,614,014 alleles (0.0005%); highest among the groups gnomAD compares: Admixed American, 0.0083%; no homozygotes.

Submissions (6):

Labcorp Genetics (formerly Invitae), Labcorp
Classification: Uncertain significance for Primary familial hypertrophic cardiomyopathy; Dilated cardiomyopathy 1AA. Last evaluated: 2025-12-09. Review status: criteria provided, single submitter. Criteria: Invitae Variant Classification Sherloc (09022015). Collection method: clinical testing. Allele origin: germline.
Comment: This sequence change replaces methionine, which is neutral and non-polar, with leucine, which is neutral and non-polar, at codon 866 of the ACTN2 protein (p.Met866Leu). This variant is present in population databases (no rsID available, gnomAD 0.009%). This variant has not been reported in the literature in individuals affected with ACTN2-related conditions. ClinVar contains an entry for this variant (Variation ID: 684853). An algorithm developed to predict the effect of missense changes on protein structure and function (PolyPhen-2) suggests that this variant is likely to be disruptive. In summary, the available evidence is currently insufficient to determine the role of this variant in disease. Therefore, it has been classified as a Variant of Uncertain Significance.

Dasa
Classification: Uncertain significance. Last evaluated: 2025-05-28. Review status: criteria provided, single submitter. Criteria: DASA Assertion Criteria. Collection method: clinical testing. Allele origin: germline.
Comment: NM_001103.4(ACTN2):c.2596A>T (p.Met866Leu) is a missense variant that results in the substitution of methionine with leucine. This variant is rare in population databases. The currently available literature and clinical evidence are not sufficient to establish a definitive association between this variant and the reported condition. Therefore, this variant is classified as a variant of uncertain significance.

Ambry Genetics
Classification: Uncertain significance for Cardiovascular phenotype. Last evaluated: 2023-11-28. Review status: criteria provided, single submitter. Criteria: Ambry Variant Classification Scheme 2023. Collection method: clinical testing. Allele origin: germline.
Comment: The p.M866L variant (also known as c.2596A>T), located in coding exon 21 of the ACTN2 gene, results from an A to T substitution at nucleotide position 2596. The methionine at codon 866 is replaced by leucine, an amino acid with highly similar properties. This amino acid position is conserved. In addition, the in silico prediction for this alteration is inconclusive. Since supporting evidence is limited at this time, the clinical significance of this alteration remains unclear.

Fulgent Genetics
Classification: Uncertain significance for Dilated cardiomyopathy 1AA; Myopathy, congenital, with structured cores and z-line abnormalities; Myopathy, distal, 6, adult-onset, autosomal dominant. Last evaluated: 2021-09-09. Review status: criteria provided, single submitter. Criteria: ACMG Guidelines, 2015. Collection method: clinical testing. Allele origin: unknown.

Molecular Diagnostic Laboratory for Inherited Cardiovascular Disease, Montreal Heart Institute
Classification: Uncertain significance for Familial dilated cardiomyopathy. Review status: criteria provided, single submitter. Criteria: ACMG Guidelines, 2015. Collection method: clinical testing. Allele origin: germline. Affected: yes.

PreventionGenetics, part of Exact Sciences
Classification: Uncertain significance for ACTN2-related condition. Last evaluated: 2024-07-15. Review status: no assertion criteria provided. Collection method: clinical testing. Allele origin: germline. Not counted in ClinVar's aggregate classification.
Comment: The ACTN2 c.2596A>T variant is predicted to result in the amino acid substitution p.Met866Leu. To our knowledge, this variant has not been reported in the literature. This variant is reported in 0.0085% of alleles in individuals of Latino descent in gnomAD. At this time, the clinical significance of this variant is uncertain due to the absence of conclusive functional and genetic evidence.

NM_001103.4(ACTN2):c.2596A>T (p.Met866Leu)

Gene: ACTN2 (actinin alpha 2; plus strand). Cytogenetic location: 1q43.
Variant type: single nucleotide variant.
Coding change: c.2596A>T on transcript NM_001103.4 (MANE Select); coding-DNA position 2596, A replaced by T.
Protein change: p.Met866Leu; replaces methionine 866 with leucine.
Molecular consequence: missense variant.
Genome position (GRCh38, 1-based): chr1:236,762,530, A>T. VCF-style: chr1-236762530-A-T. GRCh37 (hg19) VCF-style: chr1-236925830-A-T.
Other names: c.2596A>T, p.Met866Leu (NM_001278343.2); c.1972A>T, p.Met658Leu (NM_001278344.2); c.2596A>T (NM_001103.2); short protein forms M658L, M866L.
Identifiers: ClinVar variation 684853 (VCV000684853.14), dbSNP rs1395445136, ClinGen allele CA345392336.